The following is an entry in ClinVar:

ClinVar aggregate classification (germline): Uncertain significance (1 of 4 stars; one submission).

Conditions:
Autosomal recessive severe congenital neutropenia due to CSF3R deficiency. Also called: Neutropenia, severe congenital, 7, autosomal recessive. Identifiers: Orphanet 420702, MedGen C4310764, MONDO:0014865, OMIM 617014.

Submission:

Labcorp Genetics (formerly Invitae), Labcorp
Classification: Uncertain significance for Autosomal recessive severe congenital neutropenia due to CSF3R deficiency. Last evaluated: 2024-07-12. Review status: criteria provided, single submitter. Criteria: Invitae Variant Classification Sherloc (09022015). Collection method: clinical testing. Allele origin: germline.
Comment: This variant, c.1826_1828del, results in the deletion of 1 amino acid(s) of the CSF3R protein (p.Thr609del), but otherwise preserves the integrity of the reading frame. This variant is not present in population databases (gnomAD no frequency). This variant has not been reported in the literature in individuals affected with CSF3R-related conditions. Experimental studies and prediction algorithms are not available or were not evaluated, and the functional significance of this variant is currently unknown. In summary, the available evidence is currently insufficient to determine the role of this variant in disease. Therefore, it has been classified as a Variant of Uncertain Significance.

NM_000760.4(CSF3R):c.1823CCA[1] (p.Thr609del)

Gene: CSF3R (colony stimulating factor 3 receptor; minus strand). Cytogenetic location: 1p34.3.
Variant type: Microsatellite.
Coding change: c.1823CCA[1] on transcript NM_000760.4 (MANE Select); one copy of the 3-base unit CCA starting at c.1823; the reference has two copies in a row; one copy, 3 bases deleted.
Protein change: p.Thr609del; deletes threonine 609.
Genome position (GRCh38, 1-based): chr1:36,467,858-36,467,860, TGG deleted on the plus strand (CCA on the coding strand, the reverse complement: CSF3R is on the minus strand); deleting any 3 consecutive bases within chr1:36,467,858-36,467,863 gives the same sequence; the position shown is the placement nearest the transcript's 3' end. VCF-style (leftmost placement, unchanged base first): chr1-36467857-TTGG-T. GRCh37 (hg19) VCF-style: chr1-36933458-TTGG-T.
Other names: c.1823CCA[1], p.Thr609del (NM_156039.3, NM_172313.3); short protein forms T609del.
Identifiers: ClinVar variation 3692757 (VCV003692757.2).